The following is an entry in ClinVar:

ClinVar aggregate classification (germline): Uncertain significance (1 of 4 stars; one submission).

gnomAD v4.1: 1 of 1,613,396 alleles (0.000062%); highest among the groups gnomAD compares: Non-Finnish European, 0.000085%; no homozygotes.

Submission:

Labcorp Genetics (formerly Invitae), Labcorp
Classification: Uncertain significance. Last evaluated: 2025-04-18. Review status: criteria provided, single submitter. Criteria: Invitae Variant Classification Sherloc (09022015). Collection method: clinical testing. Allele origin: germline.
Comment: This sequence change replaces leucine, which is neutral and non-polar, with proline, which is neutral and non-polar, at codon 1089 of the DIP2C protein (p.Leu1089Pro). This variant is present in population databases (rs779958240, gnomAD 0.0009%). This variant has not been reported in the literature in individuals affected with DIP2C-related conditions. An algorithm developed to predict the effect of missense changes on protein structure and function (PolyPhen-2) suggests that this variant is likely to be tolerated. In summary, the available evidence is currently insufficient to determine the role of this variant in disease. Therefore, it has been classified as a Variant of Uncertain Significance.

NM_014974.3(DIP2C):c.3266T>C (p.Leu1089Pro)

Genes: DIP2C (DIP2 acetate--CoA ligase C (putative); minus strand), LOC126860805 (BRD4-independent group 4 enhancer GRCh37_chr10:390524-391723; plus strand). Cytogenetic location: 10p15.3.
Variant type: single nucleotide variant.
Coding change: c.3266T>C on transcript NM_014974.3 (MANE Select); coding-DNA position 3266, T replaced by C.
Protein change: p.Leu1089Pro; replaces leucine 1089 with proline.
Molecular consequence: missense variant.
Genome position (GRCh38, 1-based): chr10:345,076, A>G on the plus strand (T>C on the coding strand, the complement: DIP2C is on the minus strand). VCF-style: chr10-345076-A-G. GRCh37 (hg19) VCF-style: chr10-391016-A-G.
Other names: short protein forms L1089P.
Identifiers: ClinVar variation 4763139 (VCV004763139.1).
Genomic context (GRCh38, chr10:345,076, plus strand): 5'-GGCCACGTCCTGACGTCCACAGCCGCCGCCGCCTCCCTGGACCGCAGCAACTTACAGATC[A>G]GCTGTGTCGTCATCAGACAGGCAGAGCGACTCACCTGGCATCAGAGAGCGAGAATGGAGC-3'
Protein context (NP_055789.1, residues 1079-1099): SRSACLMTTQ[Leu1089Pro]ICKLLRSREA